The following is an entry in ClinVar:

ClinVar aggregate classification (germline): Conflicting classifications of pathogenicity. Review status: criteria provided, conflicting classifications (1 of 4 stars). 5 submissions from 5 submitters: Uncertain significance (3); Likely benign (2). Last evaluated 2026-01-14.

Conditions:
Cholestanol storage disease (CTX). Also called: CEREBRAL CHOLESTERINOSIS; Cerebrotendinous Xanthomatosis; CTX: Cerebrotendinous xanthomatosis. Identifiers: Orphanet 909, MedGen C0238052, MONDO:0008948, OMIM 213700.
Cardiovascular phenotype. Identifiers: MedGen CN230736.

Allele frequency attached by ClinVar (database versions not stated): gnomAD 0.00006; TOPMed 0.00006.
gnomAD v4.1: 218 of 1,614,066 alleles (0.014%); highest among the groups gnomAD compares: Non-Finnish European, 0.017%; 1 homozygote.

Submissions (5):

Labcorp Genetics (formerly Invitae), Labcorp
Classification: Likely benign for Cholestanol storage disease. Last evaluated: 2026-01-14. Review status: criteria provided, single submitter. Criteria: Invitae Variant Classification Sherloc (09022015). Collection method: clinical testing. Allele origin: germline.

Ambry Genetics
Classification: Likely benign for Cardiovascular phenotype. Last evaluated: 2025-04-02. Review status: criteria provided, single submitter. Criteria: Ambry Variant Classification Scheme 2023. Collection method: clinical testing. Allele origin: germline.

Mayo Clinic Laboratories, Mayo Clinic
Classification: Uncertain significance. Last evaluated: 2025-02-02. Review status: criteria provided, single submitter. Criteria: ACMG Guidelines, 2015. Collection method: clinical testing. Allele origin: germline. Observed: 1 variant allele.
Comment: BP4

Blueprint Genetics
Classification: Uncertain significance. Last evaluated: 2024-09-21. Review status: criteria provided, single submitter. Criteria: ACMG Guidelines, 2015. Collection method: clinical testing. Allele origin: germline.

Eurofins Ntd Llc (ga)
Classification: Uncertain significance. Last evaluated: 2017-06-15. Review status: criteria provided, single submitter. Criteria: EGL Classification Definitions 2015. Collection method: clinical testing. Allele origin: germline. Observed: 1 variant allele, 1 heterozygote.

NM_000784.4(CYP27A1):c.515C>T (p.Ala172Val)

Gene: CYP27A1 (cytochrome P450 family 27 subfamily A member 1; plus strand). Cytogenetic location: 2q35.
Variant type: single nucleotide variant.
Coding change: c.515C>T on transcript NM_000784.4 (MANE Select); coding-DNA position 515, C replaced by T.
Protein change: p.Ala172Val; replaces alanine 172 with valine.
Molecular consequence: missense variant.
Genome position (GRCh38, 1-based): chr2:218,812,290, C>T. VCF-style: chr2-218812290-C-T. GRCh37 (hg19) VCF-style: chr2-219677013-C-T.
Other names: p.Ala172Val; c.515C>T (NM_000784.3); short protein forms A172V.
Identifiers: ClinVar variation 502427 (VCV000502427.16), dbSNP rs200753815, ClinGen allele CA2112632.